The following is an entry in ClinVar:

ClinVar aggregate classification (germline): Uncertain significance. Review status: criteria provided, multiple submitters, no conflicts (2 of 4 stars). 2 submissions from 2 submitters: Uncertain significance (2). Last evaluated 2023-07-14.

Conditions:
Intellectual developmental disorder, X-linked 1. Also called: Atkin Flaitz Patil Smith syndrome; Intellectual disability, X-linked 1; MENTAL RETARDATION, X-LINKED 18; MENTAL RETARDATION, X-LINKED 78. Identifiers: Orphanet 777, MedGen C2931498, MONDO:0010656, OMIM 309530.

gnomAD v4.1: 5 of 1,160,570 alleles (0.00043%); highest among the groups gnomAD compares: Non-Finnish European, 0.00046%; no homozygotes.

Submissions (2):

Women's Health and Genetics/Laboratory Corporation of America, LabCorp
Classification: Uncertain significance. Last evaluated: 2023-07-14. Review status: criteria provided, single submitter. Criteria: LabCorp Variant Classification Summary - May 2015. Collection method: clinical testing. Allele origin: germline.
Comment: Variant summary: IQSEC2 c.619C>T (p.Arg207Cys) results in a non-conservative amino acid change in the encoded protein sequence. Four of five in-silico tools predict a damaging effect of the variant on protein function. The variant was absent in 102190 control chromosomes (gnomAD). The available data on variant occurrences in the general population are insufficient to allow any conclusion about variant significance. To our knowledge, no occurrence of c.619C>T in individuals affected with Intellectual Disability, X-Linked 1 and no experimental evidence demonstrating its impact on protein function have been reported. One submitter has cited clinical-significance assessments for this variant to ClinVar after 2014 and has classified the variant as uncertain significance. Based on the evidence outlined above, the variant was classified as uncertain significance.

Labcorp Genetics (formerly Invitae), Labcorp
Classification: Uncertain significance for Intellectual developmental disorder, X-linked 1. Last evaluated: 2022-04-18. Review status: criteria provided, single submitter. Criteria: Invitae Variant Classification Sherloc (09022015). Collection method: clinical testing. Allele origin: germline.
Comment: This sequence change replaces arginine, which is basic and polar, with cysteine, which is neutral and slightly polar, at codon 207 of the IQSEC2 protein (p.Arg207Cys). This variant is not present in population databases (gnomAD no frequency). This variant has not been reported in the literature in individuals affected with IQSEC2-related conditions. Advanced modeling of protein sequence and biophysical properties (such as structural, functional, and spatial information, amino acid conservation, physicochemical variation, residue mobility, and thermodynamic stability) performed at Invitae indicates that this missense variant is not expected to disrupt IQSEC2 protein function. In summary, the available evidence is currently insufficient to determine the role of this variant in disease. Therefore, it has been classified as a Variant of Uncertain Significance.

NM_001111125.3(IQSEC2):c.619C>T (p.Arg207Cys)

Gene: IQSEC2 (IQ motif and Sec7 domain ArfGEF 2; minus strand). Cytogenetic location: Xp11.22.
Variant type: single nucleotide variant.
Coding change: c.619C>T on transcript NM_001111125.3 (MANE Select); coding-DNA position 619, C replaced by T.
Protein change: p.Arg207Cys; replaces arginine 207 with cysteine.
Molecular consequence: missense variant.
Genome position (GRCh38, 1-based): chrX:53,320,505, G>A on the plus strand (C>T on the coding strand, the complement: IQSEC2 is on the minus strand). VCF-style: chrX-53320505-G-A. GRCh37 (hg19) VCF-style: chrX-53349703-G-A.
Other names: c.619C>T, p.Arg207Cys (NM_001410736.1); c.619C>T (NM_001111125.2); short protein forms R207C.
Identifiers: ClinVar variation 2191128 (VCV002191128.5), dbSNP rs1295281780, ClinGen allele CA413238958.